The following is an entry in ClinVar:

ClinVar aggregate classification (germline): Pathogenic (1 of 4 stars; one submission).

Submission:

Labcorp Genetics (formerly Invitae), Labcorp
Classification: Pathogenic. Last evaluated: 2023-04-30. Review status: criteria provided, single submitter. Criteria: Invitae Variant Classification Sherloc (09022015). Collection method: clinical testing. Allele origin: germline.
Comment: This sequence change creates a premature translational stop signal (p.Glu317*) in the ERCC2 gene. It is expected to result in an absent or disrupted protein product. Loss-of-function variants in ERCC2 are known to be pathogenic (PMID: 9238033, 11335038, 19085937, 19934020). This variant is not present in population databases (gnomAD no frequency). This variant has not been reported in the literature in individuals affected with ERCC2-related conditions. Algorithms developed to predict the effect of sequence changes on RNA splicing suggest that this variant may disrupt the consensus splice site. For these reasons, this variant has been classified as Pathogenic.

Literature cited by the submitters: PubMed 9238033; PubMed 11335038; PubMed 19085937; PubMed 19934020.

NM_000400.4(ERCC2):c.949G>T (p.Glu317Ter)

Gene: ERCC2 (ERCC excision repair 2, TFIIH core complex helicase subunit; minus strand). Cytogenetic location: 19q13.32.
Variant type: single nucleotide variant.
Coding change: c.949G>T on transcript NM_000400.4 (MANE Select); coding-DNA position 949, G replaced by T.
Protein change: p.Glu317Ter; replaces glutamic acid 317 with a stop codon.
Molecular consequence: nonsense.
Genome position (GRCh38, 1-based): chr19:45,363,986, C>A on the plus strand (G>T on the coding strand, the complement: ERCC2 is on the minus strand). VCF-style: chr19-45363986-C-A. GRCh37 (hg19) VCF-style: chr19-45867244-C-A.
Other names: c.877G>T, p.Glu293Ter (NM_001130867.2); short protein forms E317*, E293*.
Identifiers: ClinVar variation 2860833 (VCV002860833.3), dbSNP rs2514029570, ClinGen allele CA406373241.